The following is an entry in ClinVar:

ClinVar aggregate classification (germline): Uncertain significance (1 of 4 stars; one submission).

Submission:

GeneDx
Classification: Uncertain significance. Last evaluated: 2022-05-03. Review status: criteria provided, single submitter. Criteria: GeneDx Variant Classification Process June 2021. Collection method: clinical testing. Allele origin: germline. Affected: yes.
Comment: Not observed at significant frequency in large population cohorts (gnomAD); In silico analysis supports that this variant does not alter splicing; Has not been previously published as pathogenic or benign to our knowledge

NM_033380.3(COL4A5):c.4284C>T (p.Arg1428=)

Gene: COL4A5 (collagen type IV alpha 5 chain; plus strand). Cytogenetic location: Xq22.3.
Variant type: single nucleotide variant.
Coding change: c.4284C>T on transcript NM_033380.3 (MANE Select); coding-DNA position 4284, C replaced by T.
Protein change: p.Arg1428=; no amino-acid change (arginine 1428 retained).
Molecular consequence: synonymous variant.
Genome position (GRCh38, 1-based): chrX:108,686,098, C>T. VCF-style: chrX-108686098-C-T. GRCh37 (hg19) VCF-style: chrX-107929328-C-T.
Other names: c.4266C>T, p.Arg1422= (NM_000495.5).
Identifiers: ClinVar variation 1722797 (VCV001722797.2), dbSNP rs2524628668, ClinGen allele CA517924162.
Genomic context (GRCh38, chrX:108,686,098, plus strand): 5'-TGGCCCTCCAGGAGATCCTGGACGCAATGGACTCCCTGGCTTTGATGGTGCAGGAGGGCG[C>T]AAAGGAGACCCAGGTCTGCCAGGACAGCCAGGTAAGACAAGTAAAACATGCTGTTGGTGG-3'
Protein context (NP_203699.1, residues 1418-1438): GLPGFDGAGG[Arg1428=]KGDPGLPGQP